The following is an entry in ClinVar:

ClinVar aggregate classification (germline): Conflicting classifications of pathogenicity. Review status: criteria provided, conflicting classifications (1 of 4 stars). 2 submissions from 2 submitters: Uncertain significance (1); Likely benign (1). Last evaluated 2025-08-25.

Allele frequency attached by ClinVar (database versions not stated): gnomAD 0.00005 and 0.00006; gnomAD exomes 0.00007 and 0.00009; TOPMed 0.00009; ExAC 0.00010.
gnomAD v4.1: 86 of 1,205,896 alleles (0.0071%); highest among the groups gnomAD compares: Middle Eastern, 0.046%; no homozygotes.

Submissions (2):

Labcorp Genetics (formerly Invitae), Labcorp
Classification: Uncertain significance. Last evaluated: 2025-08-25. Review status: criteria provided, single submitter. Criteria: Invitae Variant Classification Sherloc (09022015). Collection method: clinical testing. Allele origin: germline.
Comment: This sequence change replaces proline, which is neutral and non-polar, with threonine, which is neutral and polar, at codon 48 of the CACNA1F protein (p.Pro48Thr). This variant is present in population databases (rs782524571, gnomAD 0.03%), and has an allele count higher than expected for a pathogenic variant. This variant has not been reported in the literature in individuals affected with CACNA1F-related conditions. ClinVar contains an entry for this variant (Variation ID: 1013995). An algorithm developed to predict the effect of missense changes on protein structure and function (PolyPhen-2) suggests that this variant is likely to be tolerated. In summary, the available evidence is currently insufficient to determine the role of this variant in disease. Therefore, it has been classified as a Variant of Uncertain Significance.

Blueprint Genetics
Classification: Likely benign. Last evaluated: 2024-11-15. Review status: criteria provided, single submitter. Criteria: ACMG Guidelines, 2015. Collection method: clinical testing. Allele origin: germline.

NM_001256789.3(CACNA1F):c.142C>A (p.Pro48Thr)

Gene: CACNA1F (calcium voltage-gated channel subunit alpha1 F; minus strand). Cytogenetic location: Xp11.23.
Variant type: single nucleotide variant.
Coding change: c.142C>A on transcript NM_001256789.3 (MANE Select); coding-DNA position 142, C replaced by A.
Protein change: p.Pro48Thr; replaces proline 48 with threonine.
Molecular consequence: missense variant. On other transcripts: intron variant (1).
Genome position (GRCh38, 1-based): chrX:49,231,811, G>T on the plus strand (C>A on the coding strand, the complement: CACNA1F is on the minus strand). VCF-style: chrX-49231811-G-T. GRCh37 (hg19) VCF-style: chrX-49088273-G-T.
Other names: c.142C>A, p.Pro48Thr (NM_005183.4); c.66-119C>A (NM_001256790.3); short protein forms P48T.
Identifiers: ClinVar variation 1013995 (VCV001013995.7), dbSNP rs782524571, ClinGen allele CA10411128.
Genomic context (GRCh38, chrX:49,231,811, plus strand): 5'-ACCGCTGGGCACTGGCCACTGCCACTGTCTTGTGCTTGCTGTGCTGGTTTCTTCGCTTAG[G>T]GGTCCCTAGGCCTGATGCCCCACTGCTTTCACCTTCCACAGCTGGGGGCCCGGGGCACAG-3'
Protein context (NP_001243718.1, residues 38-58): ESSGASGLGT[Pro48Thr]KRRNQHSKHK